The following is an entry in ClinVar:

ClinVar aggregate classification (germline): Uncertain significance (1 of 4 stars; one submission).

Conditions:
Congenital cataract-microcephaly-nevus flammeus simplex-severe intellectual disability syndrome. Also called: Basel-Vanagaite-Smirin-Yosef syndrome. Identifiers: Orphanet 464738, MedGen C4225323, MONDO:0014643, OMIM 616449.

Submission:

Victorian Clinical Genetics Services, Murdoch Childrens Research Institute
Classification: Uncertain significance for Congenital cataract-microcephaly-nevus flammeus simplex-severe intellectual disability syndrome. Last evaluated: 2023-07-17. Review status: criteria provided, single submitter. Criteria: ACMG Guidelines, 2015. Collection method: clinical testing. Allele origin: germline. Inheritance: Autosomal recessive inheritance. Affected: yes.
Comment: Based on the classification scheme VCGS_Germline_v1.3.4, this variant is classified as VUS-3A. Following criteria are met: 0102 - Loss of function is a known mechanism of disease in this gene and is associated with Basel-Vanagait-Smirin-Yosef syndrome, (MIM#616449). (I) 0106 - This gene is associated with autosomal recessive disease. (I) 0205 - Variant is predicted to result in a truncated protein (premature termination codon is NOT located at least 54 nucleotides upstream of the final exon-exon junction) with less than 1/3 of the protein sequence affected. (SP) 0251 - This variant is heterozygous. (I) 0301 - Variant is absent from gnomAD (both v2 and v3). (SP) 0600 - Variant is located in the annotated Med25_NR-box (DECIPHER). (I) 0710 - Another protein truncating variant comparable to the one identified in this case have inconclusive previous evidence for pathogenicity. This variant have been reported as a VUS with limited clinical information (ClinVar). (I) 0807 - This variant has no previous evidence of pathogenicity. (I) 0905 - No published segregation evidence has been identified for this variant. (I) 1007 - No published functional evidence has been identified for this variant. (I) 1208 - Inheritance information for this variant is not currently available in this individual. (I) Legend: (SP) - Supporting pathogenic, (I) - Information, (SB) - Supporting benign

Literature cited by the submitters: PubMed 25792360; PubMed 32816121.

NM_030973.4(MED25):c.1950_1951insTT (p.Leu651fs)

Gene: MED25 (mediator complex subunit 25; plus strand). Cytogenetic location: 19q13.33.
Variant type: Insertion.
Coding change: c.1950_1951insTT on transcript NM_030973.4 (MANE Select); coding-DNA positions 1950 to 1951, TT inserted.
Protein change: p.Leu651fs; shifts the reading frame from leucine 651.
Molecular consequence: frameshift variant.
Genome position: GRCh38 VCF-style: chr19-49835930-C-CTT. GRCh37 (hg19) VCF-style: chr19-50339187-C-CTT.
Other names: c.1950_1951insTT, p.Leu651fs (NM_001378355.1); short protein forms L651fs.
Identifiers: ClinVar variation 3254551 (VCV003254551.1), dbSNP rs2123888582.